The following is an entry in ClinVar:

NM_004656.4(BAP1):c.390G>T (p.Ala130=)

Gene: BAP1 (BRCA1 associated deubiquitinase 1; minus strand). Cytogenetic location: 3p21.1.
Variant type: single nucleotide variant.
Coding change: c.390G>T on transcript NM_004656.4 (MANE Select); coding-DNA position 390, G replaced by T.
Protein change: p.Ala130=; no amino-acid change (alanine 130 retained).
Molecular consequence: synonymous variant.
Genome position (GRCh38, 1-based): chr3:52,407,446, C>A on the plus strand (G>T on the coding strand, the complement: BAP1 is on the minus strand). VCF-style: chr3-52407446-C-A. GRCh37 (hg19) VCF-style: chr3-52441462-C-A.
Identifiers: ClinVar variation 922268 (VCV000922268.13), dbSNP rs778350656, ClinGen allele CA2437090.
Genomic context (GRCh38, chr3:52,407,446, plus strand): 5'-AGCTCCCACACACCTGGCATGGCTATTATGGGCCTTGGCCAACTCCGGGGCATTGCCAAT[C>A]GCATATCCTTTGCTCTACGGGGAAGAAAATAAGGCCGTATCAGAATAATTTCTCCTCAGG-3'
Protein context (NP_004647.1, residues 120-140): KGFSPESKGY[Ala130=]IGNAPELAKA

ClinVar aggregate classification (germline): Benign/Likely benign. Review status: criteria provided, multiple submitters, no conflicts (2 of 4 stars). 4 submissions from 4 submitters: Benign (1); Likely benign (3). Last evaluated 2024-07-12.

Conditions:
Hereditary cancer-predisposing syndrome. Also called: Neoplastic Syndromes, Hereditary; Tumor predisposition; Hereditary Cancer Syndrome; Hereditary neoplastic syndrome. Identifiers: Orphanet 140162, MedGen C0027672, MeSH D009386, MONDO:0015356.
BAP1-related tumor predisposition syndrome (TPDS1). Also called: Tumor susceptibility linked to germline BAP1 mutations; COMMON Syndrome; TUMOR PREDISPOSITION SYNDROME 1; BAP1 tumor predisposition syndrome. Identifiers: Orphanet 289539, MedGen C3280492, MONDO:0013692, OMIM 614327.

gnomAD v4.1: 7 of 1,614,190 alleles (0.00043%); highest among the groups gnomAD compares: Non-Finnish European, 0.00051%; no homozygotes.

Submissions (4):

Myriad Genetics, Inc.
Classification: Benign for BAP1-related tumor predisposition syndrome. Last evaluated: 2024-07-12. Review status: criteria provided, single submitter. Criteria: Myriad Autosomal Dominant, Autosomal Recessive and X-Linked Classification Criteria (2023). Collection method: clinical testing. Allele origin: unknown.
Comment: This variant is considered benign. This variant is a silent/synonymous amino acid change and it is not expected to impact splicing.

Labcorp Genetics (formerly Invitae), Labcorp
Classification: Likely benign for BAP1-related tumor predisposition syndrome. Last evaluated: 2023-08-30. Review status: criteria provided, single submitter. Criteria: Invitae Variant Classification Sherloc (09022015). Collection method: clinical testing. Allele origin: germline.

Ambry Genetics
Classification: Likely benign for Hereditary cancer-predisposing syndrome. Last evaluated: 2019-09-19. Review status: criteria provided, single submitter. Criteria: Ambry Variant Classification Scheme 2023. Collection method: clinical testing. Allele origin: germline.

Color Diagnostics, LLC DBA Color Health
Classification: Likely benign for Hereditary cancer-predisposing syndrome. Last evaluated: 2019-07-16. Review status: criteria provided, single submitter. Criteria: ACMG Guidelines, 2015. Collection method: clinical testing. Allele origin: germline.